The following is an entry in ClinVar:

ClinVar aggregate classification (germline): Likely benign (1 of 4 stars; one submission).

Conditions:
Deficiency of isobutyryl-CoA dehydrogenase. Also called: ACYL-CoA DEHYDROGENASE FAMILY, MEMBER 8, DEFICIENCY OF; IBD DEFICIENCY; ACAD8 DEFICIENCY. Identifiers: Orphanet 79159, MedGen C1969809, MONDO:0012648, OMIM 611283.

Allele frequency attached by ClinVar (database versions not stated): gnomAD 0.00025 and 0.00048; gnomAD exomes 0.00057; TOPMed 0.00058; 1000 Genomes Project 30x 0.00219; 1000 Genomes Project 0.00260.
gnomAD v4.1: 76 of 161,538 alleles (0.047%); highest among the groups gnomAD compares: East Asian, 1.1%; 1 homozygote.

Submission:

Illumina Laboratory Services, Illumina
Classification: Likely benign for Deficiency of isobutyryl-CoA dehydrogenase. Last evaluated: 2018-01-13. Review status: criteria provided, single submitter. Criteria: ICSL Variant Classification Criteria 13 December 2019. Collection method: clinical testing. Allele origin: germline.
Comment: This variant was observed in the ICSL laboratory as part of a predisposition screen in an ostensibly healthy population. It had not been previously curated by ICSL or reported in the Human Gene Mutation Database (HGMD: prior to June 1st, 2018), and was therefore a candidate for classification through an automated scoring system. Utilizing variant allele frequency, disease prevalence and penetrance estimates, and inheritance mode, an automated score was calculated to assess if this variant is too frequent to cause the disease. Based on the score and internal cut-off values, a variant classified as likely benign is not then subjected to further curation. The score for this variant resulted in a classification of likely benign for this disease.

NM_014384.3(ACAD8):c.*494A>G

Gene: ACAD8 (acyl-CoA dehydrogenase family member 8; plus strand). Cytogenetic location: 11q25.
Variant type: single nucleotide variant.
Coding change: c.*494A>G on transcript NM_014384.3 (MANE Select); 494 bases downstream of the stop codon, A replaced by G.
Molecular consequence: 3 prime UTR variant.
Genome position (GRCh38, 1-based): chr11:134,265,454, A>G. VCF-style: chr11-134265454-A-G. GRCh37 (hg19) VCF-style: chr11-134135348-A-G.
Identifiers: ClinVar variation 303694 (VCV000303694.5), dbSNP rs148808998, ClinGen allele CA10638568.